The following is an entry in ClinVar:

NM_053025.4(MYLK):c.544T>C (p.Cys182Arg)

Gene: MYLK (myosin light chain kinase; minus strand). Cytogenetic location: 3q21.1.
Variant type: single nucleotide variant.
Coding change: c.544T>C on transcript NM_053025.4 (MANE Select); coding-DNA position 544, T replaced by C.
Protein change: p.Cys182Arg; replaces cysteine 182 with arginine.
Molecular consequence: missense variant.
Genome position (GRCh38, 1-based): chr3:123,738,941, A>G on the plus strand (T>C on the coding strand, the complement: MYLK is on the minus strand). VCF-style: chr3-123738941-A-G. GRCh37 (hg19) VCF-style: chr3-123457788-A-G.
Other names: c.16T>C, p.Cys6Arg (NM_001321309.2); c.544T>C, p.Cys182Arg (NM_053026.4, NM_053027.4, NM_053028.4); short protein forms C182R, C6R.
Identifiers: ClinVar variation 4710448 (VCV004710448.1).

ClinVar aggregate classification (germline): Uncertain significance (1 of 4 stars; one submission).

Conditions:
Aortic aneurysm, familial thoracic 7 (AAT7). Also called: AORTIC DISSECTION, FAMILIAL, WITH OR WITHOUT AORTIC ANEURYSM. Identifiers: MedGen C3151077, MONDO:0013418, OMIM 613780.

Submission:

Labcorp Genetics (formerly Invitae), Labcorp
Classification: Uncertain significance for Aortic aneurysm, familial thoracic 7. Last evaluated: 2025-09-01. Review status: criteria provided, single submitter. Criteria: Invitae Variant Classification Sherloc (09022015). Collection method: clinical testing. Allele origin: germline.
Comment: This sequence change replaces cysteine, which is neutral and slightly polar, with arginine, which is basic and polar, at codon 182 of the MYLK protein (p.Cys182Arg). This variant is not present in population databases (gnomAD no frequency). This variant has not been reported in the literature in individuals affected with MYLK-related conditions. An algorithm developed to predict the effect of missense changes on protein structure and function (PolyPhen-2) suggests that this variant is likely to be tolerated. In summary, the available evidence is currently insufficient to determine the role of this variant in disease. Therefore, it has been classified as a Variant of Uncertain Significance.